The following is an entry in ClinVar:

NM_001267550.2(TTN):c.100446dup (p.Glu33483fs)

Genes: TTN (titin; minus strand), TTN-AS1 (TTN antisense RNA 1; plus strand). Cytogenetic location: 2q31.2.
Variant type: Duplication.
Coding change: c.100446dup on transcript NM_001267550.2 (MANE Select); coding-DNA position 100446, one base duplicated (A; older notation c.100446dupA).
Protein change: p.Glu33483fs; shifts the reading frame from glutamic acid 33483.
Molecular consequence: frameshift variant.
Genome position (GRCh38, 1-based): chr2:178,536,301, T duplicated on the plus strand (A on the coding strand, the reverse complement: TTN is on the minus strand). VCF-style (leftmost placement, unchanged base first): chr2-178536300-C-CT. GRCh37 (hg19) VCF-style: chr2-179401027-C-CT.
Other names: c.95523dup, p.Glu31842fs (NM_001256850.1); c.73251dup, p.Glu24418fs (NM_003319.4); c.92742dup, p.Glu30915fs (NM_133378.4); c.73626dup, p.Glu24543fs (NM_133432.3); c.73827dup, p.Glu24610fs (NM_133437.4); c.73251dupA (NM_003319.4); c.100446dupA (NM_001267550.2); short protein forms E30915fs, E24610fs, E31842fs, E24418fs, E33483fs, E24543fs.
Identifiers: ClinVar variation 238688 (VCV000238688.50), dbSNP rs878854281, ClinGen allele CA10581827.

ClinVar aggregate classification (germline): Pathogenic/Likely pathogenic. Review status: criteria provided, multiple submitters, no conflicts (2 of 4 stars). 4 submissions from 3 submitters: Pathogenic (2); Likely pathogenic (2). Last evaluated 2025-12-22.

Conditions:
Cardiovascular phenotype. Identifiers: MedGen CN230736.
Dilated cardiomyopathy 1G (CMD1G). Identifiers: Orphanet 154, MedGen C1858763, MONDO:0011400, OMIM 604145.
Autosomal recessive limb-girdle muscular dystrophy type 2J (LGMDR10). Also called: Limb-girdle muscular dystrophy, type 2J; MUSCULAR DYSTROPHY, LIMB-GIRDLE, AUTOSOMAL RECESSIVE 10. Identifiers: Orphanet 140922, MedGen C1837342, MONDO:0012127, OMIM 608807.

Submissions (4):

Ambry Genetics
Classification: Likely pathogenic for Cardiovascular phenotype. Last evaluated: 2025-12-22. Review status: criteria provided, single submitter. Criteria: Ambry Variant Classification Scheme 2023. Collection method: clinical testing. Allele origin: germline.
Comment: The c.73251dupA variant, located in coding exon 184 of the TTN gene, results from a duplication of A at nucleotide position 73251, causing a translational frameshift with a predicted alternate stop codon (p.E24418Rfs*8). This exon is located in the A-band region of the N2-B isoform of the titin protein and is constitutively expressed in TTN transcripts (percent spliced in or PSI 100%). This variant is considered to be rare based on population cohorts in the Genome Aggregation Database (gnomAD). This variant is expected to result in loss of function by premature protein truncation or nonsense-mediated mRNA decay. While truncating variants in TTN are present in 1-3% of the general population, truncating variants in the A-band are the most common cause of dilated cardiomyopathy (Herman DS et al. N. Engl. J. Med., 2012 Feb;366:619-28; Roberts AM et al. Sci Transl Med, 2015 Jan;7:270ra6). TTN truncating variants encoded in constitutive exons (PSI >90%) have been found to be significantly associated with DCM regardless of their position in titin (Schafer S et al. Nat. Genet., 2017 01;49:46-53; Akhtar MM et al. Circ Heart Fail, 2020 Oct;13:e006832; Massier M et al. Clin Genet, 2025 Jan). Based on the majority of available evidence to date, this variant is likely to be pathogenic.

Labcorp Genetics (formerly Invitae), Labcorp
Classification: Pathogenic for Dilated cardiomyopathy 1G; Autosomal recessive limb-girdle muscular dystrophy type 2J. Last evaluated: 2024-04-22. Review status: criteria provided, single submitter. Criteria: Invitae Variant Classification Sherloc (09022015). Collection method: clinical testing. Allele origin: germline.
Comment: This sequence change creates a premature translational stop signal (p.Glu33483Argfs*8) in the TTN gene. While this is not anticipated to result in nonsense mediated decay, it is expected to create a truncated TTN protein. This variant is not present in population databases (gnomAD no frequency). This premature translational stop signal has been observed in individual(s) with dilated cardiomyopathy (Invitae). It has also been observed to segregate with disease in related individuals. ClinVar contains an entry for this variant (Variation ID: 238688). This variant is located in the A band of TTN (PMID: 25589632). Truncating variants in this region are significantly overrepresented in patients affected with dilated cardiomyopathy (PMID: 25589632). Truncating variants in this region have also been reported in individuals affected with autosomal recessive centronuclear myopathy (PMID: 23975875). For these reasons, this variant has been classified as Pathogenic.

Labcorp Genetics (formerly Invitae), Labcorp
Classification: Pathogenic for Dilated cardiomyopathy 1G. Last evaluated: 2017-01-24. Review status: criteria provided, single submitter. Criteria: Invitae Variant Classification Sherloc (09022015). Collection method: clinical testing. Allele origin: germline.
Comment: This sequence change inserts 1 nucleotide in exon 357 of the TTN mRNA (c.100446dupA), causing a frameshift at codon 33483. This creates a premature translational stop signal (p.Glu33483Argfs*8) and is expected to result in an absent or disrupted protein product. This variant is found in the A-band of this gene. While this particular variant has not been reported in the literature, truncating variants in the A-band of TTN are significantly overrepresented in patients with dilated cardiomyopathy and are considered to be likely pathogenic for the disease (PMID: 25589632). This variant has been shown to segregate with dilated cardiomyopathy in a family tested at Invitae. For these reasons, this variant has been classified as Pathogenic.

CeGaT Center for Human Genetics Tuebingen
Classification: Likely pathogenic. Last evaluated: 2016-11-01. Review status: criteria provided, single submitter. Criteria: CeGaT Center For Human Genetics Tuebingen Variant Classification Criteria Version 2. Collection method: clinical testing. Allele origin: germline. Affected: yes. Observed: 1 variant allele.

Literature cited by the submitters: PubMed 25589632 (cited by Labcorp Genetics (formerly Invitae), Labcorp); PubMed 23975875 (cited by Labcorp Genetics (formerly Invitae), Labcorp).